The following is an entry in ClinVar:

ClinVar aggregate classification (germline): Uncertain significance (1 of 4 stars; one submission).

Allele frequency attached by ClinVar (database versions not stated): gnomAD 0.00007; TOPMed 0.00009.
gnomAD v4.1: 103 of 1,583,226 alleles (0.0065%); highest among the groups gnomAD compares: Non-Finnish European, 0.0076%; 1 homozygote.

Submission:

Labcorp Genetics (formerly Invitae), Labcorp
Classification: Uncertain significance. Last evaluated: 2025-11-25. Review status: criteria provided, single submitter. Criteria: Invitae Variant Classification Sherloc (09022015). Collection method: clinical testing. Allele origin: germline.
Comment: This sequence change replaces arginine, which is basic and polar, with cysteine, which is neutral and slightly polar, at codon 1171 of the AP3D1 protein (p.Arg1171Cys). This variant is present in population databases (rs760710224, gnomAD 0.008%). This variant has not been reported in the literature in individuals affected with AP3D1-related conditions. ClinVar contains an entry for this variant (Variation ID: 1448050). An algorithm developed to predict the effect of missense changes on protein structure and function (PolyPhen-2) suggests that this variant is likely to be tolerated. In summary, the available evidence is currently insufficient to determine the role of this variant in disease. Therefore, it has been classified as a Variant of Uncertain Significance.

NM_001261826.3(AP3D1):c.3511C>T (p.Arg1171Cys)

Gene: AP3D1 (adaptor related protein complex 3 subunit delta 1; minus strand). Cytogenetic location: 19p13.3.
Variant type: single nucleotide variant.
Coding change: c.3511C>T on transcript NM_001261826.3 (MANE Select); coding-DNA position 3511, C replaced by T.
Protein change: p.Arg1171Cys; replaces arginine 1171 with cysteine.
Molecular consequence: missense variant.
Genome position (GRCh38, 1-based): chr19:2,108,728, G>A on the plus strand (C>T on the coding strand, the complement: AP3D1 is on the minus strand). VCF-style: chr19-2108728-G-A. GRCh37 (hg19) VCF-style: chr19-2108727-G-A.
Other names: c.3475C>T, p.Arg1159Cys (NM_001374799.1); c.3325C>T, p.Arg1109Cys (NM_003938.8); short protein forms R1109C, R1159C, R1171C.
Identifiers: ClinVar variation 1448050 (VCV001448050.8), dbSNP rs760710224, ClinGen allele CA9058344.
Genomic context (GRCh38, chr19:2,108,728, plus strand): 5'-ACAGCAGCCCGAGGCTCACCTTTTTCACCAGGAGGCAGACATGGTGGCCCTGGATGGAGC[G>A]GCTGTACATGGAGGCGCAGGAGTCCACTCGCTCCACAACTGCAACAGAGCGGGCAGTGTT-3'
Protein context (NP_001248755.1, residues 1161-1181): RVDSCASMYS[Arg1171Cys]SIQGHHVCLL